The following is an entry in ClinVar:

ClinVar aggregate classification (germline): Uncertain significance. Review status: criteria provided, multiple submitters, no conflicts (2 of 4 stars). 2 submissions from 2 submitters: Uncertain significance (2). Last evaluated 2023-02-27.

Conditions:
Dyskeratosis congenita, autosomal dominant 1 (DKCA1). Also called: Dyskeratosis congenita Scoggins type. Identifiers: Orphanet 1775, MedGen C4551974, MONDO:0007485, OMIM 127550. Inheritance: Variable.
TERC-related disorder. Also called: TERC-related condition.

Submissions (2):

Labcorp Genetics (formerly Invitae), Labcorp
Classification: Uncertain significance for Dyskeratosis congenita, autosomal dominant 1. Last evaluated: 2023-02-27. Review status: criteria provided, single submitter. Criteria: Invitae Variant Classification Sherloc (09022015). Collection method: clinical testing. Allele origin: germline.
Comment: This variant is located within the template/pseudoknot domain of the TERC RNA component, which is required for RNA or RNP stability (PMID: 15082312, 21844345). In summary, the available evidence is currently insufficient to determine the role of this variant in disease. Therefore, it has been classified as a Variant of Uncertain Significance. This variant is located in a region of TERC in which a significant number of disease causing variants have been reported (PMID: 15082312, 21844345, 21931702). These observations suggest that this may be a clinically significant region. This variant has not been reported in the literature in individuals affected with TERC-related conditions. This variant is not present in population databases (gnomAD no frequency). This variant occurs in the TERC gene, which encodes an RNA molecule that does not result in a protein product.

PreventionGenetics, part of Exact Sciences
Classification: Uncertain significance for TERC-related condition. Last evaluated: 2023-01-09. Review status: criteria provided, single submitter. Criteria: ACMG Guidelines, 2015. Collection method: clinical testing. Allele origin: germline.
Comment: The TERC n.74_110del37 variant is predicted to result in an in-frame deletion (Non-Coding). To our knowledge, this variant has not been reported in the literature or in a large population database, indicating this variant is rare. At this time, the clinical significance of this variant is uncertain due to the absence of conclusive functional and genetic evidence.

Literature cited by the submitters: PubMed 15082312 (cited by Labcorp Genetics (formerly Invitae), Labcorp); PubMed 21844345 (cited by Labcorp Genetics (formerly Invitae), Labcorp); PubMed 21931702 (cited by Labcorp Genetics (formerly Invitae), Labcorp).

NR_001566.3(TERC):n.73_109del37

Genes: TERC (telomerase RNA component; minus strand), LOC110806306 (telomerase RNA component (TERC) promoter; plus strand). Cytogenetic location: 3q26.2.
Variant type: Deletion.
Genome position: GRCh38: chr3:169,764,952-169,764,988. GRCh37 (hg19): chr3:169,482,740-169,482,776.
Identifiers: ClinVar variation 2629992 (VCV002629992.4), dbSNP rs2474262455, ClinGen allele CA2695199328.